The following is an entry in ClinVar:

NM_000494.4(COL17A1):c.1589C>T (p.Ala530Val)

Gene: COL17A1 (collagen type XVII alpha 1 chain; minus strand). Cytogenetic location: 10q25.1.
Variant type: single nucleotide variant.
Coding change: c.1589C>T on transcript NM_000494.4 (MANE Select); coding-DNA position 1589, C replaced by T.
Protein change: p.Ala530Val; replaces alanine 530 with valine.
Molecular consequence: missense variant.
Genome position (GRCh38, 1-based): chr10:104,055,880, G>A on the plus strand (C>T on the coding strand, the complement: COL17A1 is on the minus strand). VCF-style: chr10-104055880-G-A. GRCh37 (hg19) VCF-style: chr10-105815638-G-A.
Other names: short protein forms A530V.
Identifiers: ClinVar variation 1441671 (VCV001441671.4), dbSNP rs200164044, ClinGen allele CA5678984.

ClinVar aggregate classification (germline): Uncertain significance (1 of 4 stars; one submission).

Allele frequency attached by ClinVar (database versions not stated): 1000 Genomes Project 30x 0.00016; 1000 Genomes Project 0.00020.
gnomAD v4.1: 78 of 1,614,174 alleles (0.0048%); highest among the groups gnomAD compares: East Asian, 0.056%; no homozygotes.

Submission:

Labcorp Genetics (formerly Invitae), Labcorp
Classification: Uncertain significance. Last evaluated: 2025-12-21. Review status: criteria provided, single submitter. Criteria: Invitae Variant Classification Sherloc (09022015). Collection method: clinical testing. Allele origin: germline.
Comment: This sequence change replaces alanine, which is neutral and non-polar, with valine, which is neutral and non-polar, at codon 530 of the COL17A1 protein (p.Ala530Val). This variant is present in population databases (rs200164044, gnomAD 0.05%). This variant has not been reported in the literature in individuals affected with COL17A1-related conditions. ClinVar contains an entry for this variant (Variation ID: 1441671). Invitae Evidence Modeling of protein sequence and biophysical properties (such as structural, functional, and spatial information, amino acid conservation, physicochemical variation, residue mobility, and thermodynamic stability) indicates that this missense variant is not expected to disrupt COL17A1 protein function with a negative predictive value of 80%. In summary, the available evidence is currently insufficient to determine the role of this variant in disease. Therefore, it has been classified as a Variant of Uncertain Significance.